The following is an entry in ClinVar:

ClinVar aggregate classification (germline): Benign (0 of 4 stars; one submission).

Conditions:
CCAR2-related disorder. Also called: CCAR2-related condition.

Allele frequency attached by ClinVar (database versions not stated): gnomAD 0.00234; TOPMed 0.00292; 1000 Genomes Project 30x 0.00781; 1000 Genomes Project 0.00919.
gnomAD v4.1: 3,454 of 1,613,528 alleles (0.21%); highest among the groups gnomAD compares: East Asian, 6.7%; 114 homozygotes.

Submission:

PreventionGenetics, part of Exact Sciences
Classification: Benign for CCAR2-related condition. Last evaluated: 2019-02-20. Review status: no assertion criteria provided. Collection method: clinical testing. Allele origin: germline.
Comment: This variant is classified as benign based on ACMG/AMP sequence variant interpretation guidelines (Richards et al. 2015 PMID: 25741868, with internal and published modifications).

NM_001393997.1(CCAR2):c.1809G>C (p.Gln603His)

Gene: CCAR2 (cell cycle and apoptosis regulator 2; plus strand). Cytogenetic location: 8p21.3.
Variant type: single nucleotide variant.
Coding change: c.1809G>C on transcript NM_001393997.1 (MANE Select); coding-DNA position 1809, G replaced by C.
Protein change: p.Gln603His; replaces glutamine 603 with histidine.
Molecular consequence: missense variant.
Genome position (GRCh38, 1-based): chr8:22,616,212, G>C. VCF-style: chr8-22616212-G-C. GRCh37 (hg19) VCF-style: chr8-22473725-G-C.
Other names: c.1809G>C, p.Gln603His (NM_001363068.2, NM_001363069.2, NM_021174.6); short protein forms Q603H.
Identifiers: ClinVar variation 3038827 (VCV003038827.2), dbSNP rs59511580, ClinGen allele CA4670895.